The following is an entry in ClinVar:

NM_001733.7(C1R):c.2000G>A (p.Arg667His)

Gene: C1R (complement C1r; minus strand). Cytogenetic location: 12p13.31.
Variant type: single nucleotide variant.
Coding change: c.2000G>A on transcript NM_001733.7 (MANE Select); coding-DNA position 2000, G replaced by A.
Protein change: p.Arg667His; replaces arginine 667 with histidine.
Molecular consequence: missense variant.
Genome position (GRCh38, 1-based): chr12:7,080,650, C>T on the plus strand (G>A on the coding strand, the complement: C1R is on the minus strand). VCF-style: chr12-7080650-C-T. GRCh37 (hg19) VCF-style: chr12-7187954-C-T.
Other names: c.2042G>A, p.Arg681His (NM_001354346.2); short protein forms R667H, R681H.
Identifiers: ClinVar variation 2445687 (VCV002445687.1), dbSNP rs774394869, ClinGen allele CA6423922.

ClinVar aggregate classification (germline): Uncertain significance (1 of 4 stars; one submission).

Allele frequency attached by ClinVar (database versions not stated): gnomAD 0.00001; ExAC 0.00002.
gnomAD v4.1: 14 of 1,613,746 alleles (0.00087%); highest among the groups gnomAD compares: African/African-American, 0.0053%; no homozygotes.

Submission:

Women's Health and Genetics/Laboratory Corporation of America, LabCorp
Classification: Uncertain significance. Last evaluated: 2023-02-27. Review status: criteria provided, single submitter. Criteria: LabCorp Variant Classification Summary - May 2015. Collection method: clinical testing. Allele origin: germline.
Comment: Variant summary: C1R c.2000G>A (p.Arg667His) results in a non-conservative amino acid change located in the Trypsin domain of the encoded protein sequence. Two of three in-silico tools predict a damaging effect of the variant on protein function. The variant allele was found at a frequency of 1.1e-05 in 280452 control chromosomes. The available data on variant occurrences in the general population are insufficient to allow any conclusion about variant significance. To our knowledge, no occurrence of c.2000G>A in individuals affected with Ehlers-Danlos Syndrome, Periodontal Type 1 and no experimental evidence demonstrating its impact on protein function have been reported. No clinical diagnostic laboratories have submitted clinical-significance assessments for this variant to ClinVar after 2014. Based on the evidence outlined above, the variant was classified as uncertain significance.